The following is an entry in ClinVar:

ClinVar aggregate classification (germline): Uncertain significance (1 of 4 stars; one submission).

Submission:

Ambry Genetics
Classification: Uncertain significance. Last evaluated: 2025-07-10. Review status: criteria provided, single submitter. Criteria: Ambry Variant Classification Scheme 2023. Collection method: clinical testing. Allele origin: germline.
Comment: The p.C675S variant (also known as c.2023T>A), located in coding exon 1 of the MLH3 gene, results from a T to A substitution at nucleotide position 2023. The cysteine at codon 675 is replaced by serine, an amino acid with dissimilar properties. This amino acid position is conserved. In addition, this alteration is predicted to be tolerated by in silico analysis. Based on the available evidence, the clinical significance of this variant remains unclear.

NM_001040108.2(MLH3):c.2023T>A (p.Cys675Ser)

Gene: MLH3 (mutL homolog 3; minus strand). Cytogenetic location: 14q24.3.
Variant type: single nucleotide variant.
Coding change: c.2023T>A on transcript NM_001040108.2 (MANE Select); coding-DNA position 2023, T replaced by A.
Protein change: p.Cys675Ser; replaces cysteine 675 with serine.
Molecular consequence: missense variant.
Genome position (GRCh38, 1-based): chr14:75,047,633, A>T on the plus strand (T>A on the coding strand, the complement: MLH3 is on the minus strand). VCF-style: chr14-75047633-A-T. GRCh37 (hg19) VCF-style: chr14-75514336-A-T.
Other names: c.2023T>A, p.Cys675Ser (NM_014381.3); short protein forms C675S.
Identifiers: ClinVar variation 4108635 (VCV004108635.1).